The following is an entry in ClinVar:

ClinVar aggregate classification (germline): Uncertain significance (1 of 4 stars; one submission).

Conditions:
Baller-Gerold syndrome (BGS). Also called: CRANIOSYNOSTOSIS WITH RADIAL DEFECTS. Identifiers: Orphanet 1225, MedGen C0265308, MONDO:0009039, OMIM 218600.

Allele frequency attached by ClinVar (database versions not stated): gnomAD exomes below 0.00001.
gnomAD v4.1: 2 of 1,570,852 alleles (0.00013%); highest among the groups gnomAD compares: Non-Finnish European, 0.00017%; no homozygotes.

Submission:

Labcorp Genetics (formerly Invitae), Labcorp
Classification: Uncertain significance for Baller-Gerold syndrome. Last evaluated: 2023-08-24. Review status: criteria provided, single submitter. Criteria: Invitae Variant Classification Sherloc (09022015). Collection method: clinical testing. Allele origin: germline.
Comment: In summary, the available evidence is currently insufficient to determine the role of this variant in disease. Therefore, it has been classified as a Variant of Uncertain Significance. Experimental studies and prediction algorithms are not available or were not evaluated, and the functional significance of this variant is currently unknown. ClinVar contains an entry for this variant (Variation ID: 581959). This variant has not been reported in the literature in individuals affected with RECQL4-related conditions. This variant is not present in population databases (gnomAD no frequency). This sequence change replaces lysine, which is basic and polar, with asparagine, which is neutral and polar, at codon 876 of the RECQL4 protein (p.Lys876Asn).

NM_004260.4(RECQL4):c.2628G>C (p.Lys876Asn)

Gene: RECQL4 (RecQ like helicase 4; minus strand). Cytogenetic location: 8q24.3.
Variant type: single nucleotide variant.
Coding change: c.2628G>C on transcript NM_004260.4 (MANE Select); coding-DNA position 2628, G replaced by C.
Protein change: p.Lys876Asn; replaces lysine 876 with asparagine.
Molecular consequence: missense variant.
Genome position (GRCh38, 1-based): chr8:144,512,974, C>G on the plus strand (G>C on the coding strand, the complement: RECQL4 is on the minus strand). VCF-style: chr8-144512974-C-G. GRCh37 (hg19) VCF-style: chr8-145738357-C-G.
Other names: short protein forms K876N.
Identifiers: ClinVar variation 581959 (VCV000581959.7), dbSNP rs1195462139, ClinGen allele CA372676792.